The following is an entry in ClinVar:

NM_001036.6(RYR3):c.1472G>A (p.Arg491His)

Gene: RYR3 (ryanodine receptor 3; plus strand). Cytogenetic location: 15q14.
Variant type: single nucleotide variant.
Coding change: c.1472G>A on transcript NM_001036.6 (MANE Select); coding-DNA position 1472, G replaced by A.
Protein change: p.Arg491His; replaces arginine 491 with histidine.
Molecular consequence: missense variant.
Genome position (GRCh38, 1-based): chr15:33,581,542, G>A. VCF-style: chr15-33581542-G-A. GRCh37 (hg19) VCF-style: chr15-33873743-G-A.
Other names: c.1472G>A, p.Arg491His (NM_001243996.4); short protein forms R491H.
Identifiers: ClinVar variation 643703 (VCV000643703.8), dbSNP rs747970625, ClinGen allele CA7458145.
Genomic context (GRCh38, chr15:33,581,542, plus strand): 5'-ACATTTTCCTCCACTCTCCTTCTCAGGGAATGTTGGCCCTTGTCTTAAATTGCATTGACC[G>A]CTTAAATGTCTACAATAGCGTAGCACACTTTGCAGGGATTGCAAGGGAAGAGAGTGGCAT-3'
Protein context (NP_001027.3, residues 481-501): MLALVLNCID[Arg491His]LNVYNSVAHF

ClinVar aggregate classification (germline): Uncertain significance (1 of 4 stars; one submission).

Conditions:
Epileptic encephalopathy. Identifiers: MedGen C0543888, HP:0200134.

Allele frequency attached by ClinVar (database versions not stated): gnomAD 0.00003; TOPMed 0.00004.
gnomAD v4.1: 48 of 1,613,254 alleles (0.003%); highest among the groups gnomAD compares: Middle Eastern, 0.033%; no homozygotes.

Submission:

Labcorp Genetics (formerly Invitae), Labcorp
Classification: Uncertain significance for Epileptic encephalopathy. Last evaluated: 2021-08-31. Review status: criteria provided, single submitter. Criteria: Invitae Variant Classification Sherloc (09022015). Collection method: clinical testing. Allele origin: germline.
Comment: This sequence change replaces arginine with histidine at codon 491 of the RYR3 protein (p.Arg491His). The arginine residue is moderately conserved and there is a small physicochemical difference between arginine and histidine. This variant is present in population databases (rs747970625, ExAC 0.01%). This variant has not been reported in the literature in individuals affected with RYR3-related conditions. ClinVar contains an entry for this variant (Variation ID: 643703). Algorithms developed to predict the effect of missense changes on protein structure and function are either unavailable or do not agree on the potential impact of this missense change (SIFT: "Deleterious"; PolyPhen-2: "Benign"; Align-GVGD: "Class C0"). In summary, the available evidence is currently insufficient to determine the role of this variant in disease. Therefore, it has been classified as a Variant of Uncertain Significance.